The following is an entry in ClinVar:

NM_001040108.2(MLH3):c.2738G>A (p.Ser913Asn)

Gene: MLH3 (mutL homolog 3; minus strand). Cytogenetic location: 14q24.3.
Variant type: single nucleotide variant.
Coding change: c.2738G>A on transcript NM_001040108.2 (MANE Select); coding-DNA position 2738, G replaced by A.
Protein change: p.Ser913Asn; replaces serine 913 with asparagine.
Molecular consequence: missense variant.
Genome position (GRCh38, 1-based): chr14:75,046,918, C>T on the plus strand (G>A on the coding strand, the complement: MLH3 is on the minus strand). VCF-style: chr14-75046918-C-T. GRCh37 (hg19) VCF-style: chr14-75513621-C-T.
Other names: c.2738G>A, p.Ser913Asn (NM_014381.3); short protein forms S913N.
Identifiers: ClinVar variation 1795372 (VCV001795372.2), dbSNP rs2503262301, ClinGen allele CA390438766.
Genomic context (GRCh38, chr14:75,046,918, plus strand): 5'-CCATTCTCTGTTTTTTCATGCTTGTTGTTAAATAACATACAAAAATCTTGTGTTAACACA[C>T]TGCACAACTTGCTGTCTTTCCTACTGGAATCTGAATTTGGAAGTTCATTAAAACGACTCA-3'
Protein context (NP_001035197.1, residues 903-923): DSSRKDSKLC[Ser913Asn]VLTQDFCMLF

ClinVar aggregate classification (germline): Uncertain significance (1 of 4 stars; one submission).

Submission:

Ambry Genetics
Classification: Uncertain significance. Last evaluated: 2024-03-12. Review status: criteria provided, single submitter. Criteria: Ambry Variant Classification Scheme 2023. Collection method: clinical testing. Allele origin: germline.
Comment: The p.S913N variant (also known as c.2738G>A), located in coding exon 1 of the MLH3 gene, results from a G to A substitution at nucleotide position 2738. The serine at codon 913 is replaced by asparagine, an amino acid with highly similar properties. This amino acid position is not well conserved in available vertebrate species. In addition, this alteration is predicted to be tolerated by in silico analysis. Since supporting evidence is limited at this time, the clinical significance of this alteration remains unclear.